The following is an entry in ClinVar:

NM_000322.5(PRPH2):c.*543G>A

Gene: PRPH2 (peripherin 2; minus strand). Cytogenetic location: 6p21.1.
Variant type: single nucleotide variant.
Coding change: c.*543G>A on transcript NM_000322.5 (MANE Select); 543 bases downstream of the stop codon, G replaced by A.
Molecular consequence: 3 prime UTR variant.
Genome position (GRCh38, 1-based): chr6:42,697,752, C>T on the plus strand (G>A on the coding strand, the complement: PRPH2 is on the minus strand). VCF-style: chr6-42697752-C-T. GRCh37 (hg19) VCF-style: chr6-42665490-C-T.
Identifiers: ClinVar variation 356764 (VCV000356764.6), dbSNP rs432753, ClinGen allele CA10623940.
Genomic context (GRCh38, chr6:42,697,752, plus strand): 5'-TGATTAAAGAATCCTGTTTAGAGCCCTCAATGCCTTAAGAGTCCATTATTCTTAGAAAAG[C>T]GTAACTTTCCCCCAACTTCTGGCATTAAGCAAACGGCCAACCTGTCAATCTTGGCATTAA-3'

ClinVar aggregate classification (germline): Benign. Review status: criteria provided, multiple submitters, no conflicts (2 of 4 stars). 7 submissions from 2 submitters: Benign (7). Last evaluated 2021-05-14.

Conditions:
Choroidal dystrophy, central areolar 2 (CACD2). Also called: MACULAR DYSTROPHY, PROGRESSIVE; Choriodal Dystrophy, Central Areolar 2. Identifiers: Orphanet 75377, MedGen C2751290, MONDO:0013137, OMIM 613105.
Cone-rod dystrophy. Also called: Cone-rod degeneration; Cone/cone-rod dystrophy. Identifiers: Orphanet 1872, MedGen C4085590, MONDO:0015993, HP:0000548.
Patterned macular dystrophy 1. Also called: BUTTERFLY DYSTROPHY OF RETINAL PIGMENT EPITHELIUM; MACULAR DYSTROPHY, BUTTERFLY-SHAPED PIGMENTARY. Identifiers: Orphanet 99001, MedGen C4551999, MONDO:0008210, OMIM 169150.
Pigmentary retinal dystrophy. Also called: Fundus albipunctatus. Identifiers: Orphanet 227796, Orphanet 52427, MedGen C0311338, MONDO:0007639, OMIM 136880, HP:0030642.
Retinitis pigmentosa (RP). Identifiers: Orphanet 791, MedGen C0035334, MeSH D012174, MONDO:0019200, OMIM 268000. Inheritance: Autosomal dominant, autosomal recessive and X linked inheritance.
Adult-onset foveomacular vitelliform dystrophy. Also called: FOVEOMACULAR DYSTROPHY, ADULT-ONSET; FOVEOMACULAR DYSTROPHY, ADULT-ONSET, WITH OR WITHOUT CHOROIDAL NEOVASCULARIZATION; Adult onset vitelliform dystrophy. Identifiers: Orphanet 99000, MedGen C1842914, MONDO:0011979.

Allele frequency attached by ClinVar (database versions not stated): gnomAD exomes 0.72784; 1000 Genomes Project 30x 0.75156; 1000 Genomes Project 0.75459; TOPMed 0.76453; gnomAD 0.77168.
gnomAD v4.1: 118,089 of 153,064 alleles (77%); highest among the groups gnomAD compares: East Asian, 86%; 45,716 homozygotes.

Submissions (7):

GeneDx
Classification: Benign. Last evaluated: 2021-05-14. Review status: criteria provided, single submitter. Criteria: GeneDx Variant Classification Process June 2021. Collection method: clinical testing. Allele origin: germline. Affected: yes.

Illumina Laboratory Services, Illumina
Classification: Benign for Cone-rod dystrophy. Last evaluated: 2018-01-13. Review status: criteria provided, single submitter. Criteria: ICSL Variant Classification Criteria 13 December 2019. Collection method: clinical testing. Allele origin: germline.
Comment: This variant was observed in the ICSL laboratory as part of a predisposition screen in an ostensibly healthy population. It had not been previously curated by ICSL or reported in the Human Gene Mutation Database (HGMD: prior to June 1st, 2018), and was therefore a candidate for classification through an automated scoring system. Utilizing variant allele frequency, disease prevalence and penetrance estimates, and inheritance mode, an automated score was calculated to assess if this variant is too frequent to cause the disease. Based on the score and internal cut-off values, a variant classified as benign is not then subjected to further curation. The score for this variant resulted in a classification of benign for this disease.

Illumina Laboratory Services, Illumina
Classification: Benign for Choroidal dystrophy, central areolar 2. Last evaluated: 2018-01-13. Review status: criteria provided, single submitter. Criteria: ICSL Variant Classification Criteria 13 December 2019. Collection method: clinical testing. Allele origin: germline.
Comment: the same text as in the submission from Illumina Laboratory Services, Illumina above.

Illumina Laboratory Services, Illumina
Classification: Benign for Pigmentary retinal dystrophy. Last evaluated: 2018-01-13. Review status: criteria provided, single submitter. Criteria: ICSL Variant Classification Criteria 13 December 2019. Collection method: clinical testing. Allele origin: germline.
Comment: the same text as in the submission from Illumina Laboratory Services, Illumina above.

Illumina Laboratory Services, Illumina
Classification: Benign for Vitelliform macular dystrophy 3. Last evaluated: 2018-01-13. Review status: criteria provided, single submitter. Criteria: ICSL Variant Classification Criteria 13 December 2019. Collection method: clinical testing. Allele origin: germline.
Comment: the same text as in the submission from Illumina Laboratory Services, Illumina above.

Illumina Laboratory Services, Illumina
Classification: Benign for Patterned macular dystrophy 1. Last evaluated: 2018-01-13. Review status: criteria provided, single submitter. Criteria: ICSL Variant Classification Criteria 13 December 2019. Collection method: clinical testing. Allele origin: germline.
Comment: the same text as in the submission from Illumina Laboratory Services, Illumina above.

Illumina Laboratory Services, Illumina
Classification: Benign for Retinitis pigmentosa. Last evaluated: 2018-01-13. Review status: criteria provided, single submitter. Criteria: ICSL Variant Classification Criteria 13 December 2019. Collection method: clinical testing. Allele origin: germline.
Comment: the same text as in the submission from Illumina Laboratory Services, Illumina above.